The following is an entry in ClinVar:

ClinVar aggregate classification (germline): Uncertain significance (1 of 4 stars; one submission).

Conditions:
Microcephaly 16, primary, autosomal recessive (MCPH16). Identifiers: Orphanet 2512, MedGen C4225249, MONDO:0014730, OMIM 616681.

Submission:

3billion
Classification: Uncertain significance for Microcephaly 16, primary, autosomal recessive. Last evaluated: 2024-09-24. Review status: criteria provided, single submitter. Criteria: ACMG Guidelines, 2015. Collection method: clinical testing. Allele origin: germline. Affected: yes.
Comment: The variant is observed at an extremely low frequency in the gnomAD v4.0.0 dataset (total allele frequency: 0.006%). Predicted Consequence/Location: Missense variant Damaging effect on gene or gene product predicted by in silico programs is uncertain [REVEL: 0.42 (damaging >=0.6, benign <0.4), 3Cnet: 0.06 (damaging >=0.6, benign <0.15)]. A different missense change at the same codon has been reported as uncertain significance (ClinVar ID: VCV003121724). Therefore, this variant is classified as VUS according to the recommendation of ACMG/AMP guideline.

NM_015114.3(ANKLE2):c.913C>T (p.Arg305Cys)

Gene: ANKLE2 (ankyrin repeat and LEM domain containing 2; minus strand). Cytogenetic location: 12q24.33.
Variant type: single nucleotide variant.
Coding change: c.913C>T on transcript NM_015114.3 (MANE Select); coding-DNA position 913, C replaced by T.
Protein change: p.Arg305Cys; replaces arginine 305 with cysteine.
Molecular consequence: missense variant.
Genome position (GRCh38, 1-based): chr12:132,748,266, G>A on the plus strand (C>T on the coding strand, the complement: ANKLE2 is on the minus strand). VCF-style: chr12-132748266-G-A. GRCh37 (hg19) VCF-style: chr12-133324852-G-A.
Other names: short protein forms R305C.
Identifiers: ClinVar variation 4292837 (VCV004292837.1).